The following is an entry in ClinVar:

NM_007254.4(PNKP):c.1001C>T (p.Ala334Val)

Gene: PNKP (polynucleotide kinase 3'-phosphatase; minus strand). Cytogenetic location: 19q13.33.
Variant type: single nucleotide variant.
Coding change: c.1001C>T on transcript NM_007254.4 (MANE Select); coding-DNA position 1001, C replaced by T.
Protein change: p.Ala334Val; replaces alanine 334 with valine.
Molecular consequence: missense variant.
Genome position (GRCh38, 1-based): chr19:49,862,399, G>A on the plus strand (C>T on the coding strand, the complement: PNKP is on the minus strand). VCF-style: chr19-49862399-G-A. GRCh37 (hg19) VCF-style: chr19-50365656-G-A.
Other names: c.1001C>T (NM_007254.2); short protein forms A334V.
Identifiers: ClinVar variation 840290 (VCV000840290.10), dbSNP rs571217111, ClinGen allele CA9586667.
Genomic context (GRCh38, chr19:49,862,399, plus strand): 5'-TCCCCACCCCCACCCCCGCCCCAGGGCCTCACCGGATCAAAGGCTGGGAGCTCGAAGCCG[G>A]CTGCTGGCCACTTGAGAAAGAACTCCTCAGGCGTGGCGAAGGGCAGGCCAAGGTTGAGGG-3'
Protein context (NP_009185.2, residues 324-344): PEEFFLKWPA[Ala334Val]GFELPAFDPR

ClinVar aggregate classification (germline): Uncertain significance. Review status: criteria provided, multiple submitters, no conflicts (2 of 4 stars). 4 submissions from 4 submitters: Uncertain significance (4). Last evaluated 2024-08-01.

Conditions:
Inborn genetic diseases. Identifiers: MedGen C0950123, MeSH D030342.
Developmental and epileptic encephalopathy, 12 (DEE12). Identifiers: MedGen C3150988, MONDO:0013389, OMIM 613722.

Allele frequency attached by ClinVar (database versions not stated): gnomAD below 0.00001 and 0.00002; TOPMed 0.00001; gnomAD exomes 0.00006 and 0.00015; 1000 Genomes Project 30x 0.00016; 1000 Genomes Project 0.00020; ExAC 0.00031.
gnomAD v4.1: 94 of 1,560,820 alleles (0.006%); highest among the groups gnomAD compares: South Asian, 0.1%; 2 homozygotes.

Submissions (4):

GeneDx
Classification: Uncertain significance. Last evaluated: 2024-08-01. Review status: criteria provided, single submitter. Criteria: GeneDx Variant Classification Process June 2021. Collection method: clinical testing. Allele origin: germline. Affected: yes.
Comment: In silico analysis indicates that this missense variant does not alter protein structure/function; Has not been previously published as pathogenic or benign to our knowledge; This variant is associated with the following publications: (PMID: 22508754)

Ambry Genetics
Classification: Uncertain significance for Inborn genetic diseases. Last evaluated: 2024-07-02. Review status: criteria provided, single submitter. Criteria: Ambry Variant Classification Scheme 2023. Collection method: clinical testing. Allele origin: germline.

Labcorp Genetics (formerly Invitae), Labcorp
Classification: Uncertain significance for Developmental and epileptic encephalopathy, 12. Last evaluated: 2022-06-24. Review status: criteria provided, single submitter. Criteria: Invitae Variant Classification Sherloc (09022015). Collection method: clinical testing. Allele origin: germline.
Comment: This sequence change replaces alanine, which is neutral and non-polar, with valine, which is neutral and non-polar, at codon 334 of the PNKP protein (p.Ala334Val). This variant is present in population databases (rs571217111, gnomAD 0.1%). This variant has not been reported in the literature in individuals affected with PNKP-related conditions. ClinVar contains an entry for this variant (Variation ID: 840290). Algorithms developed to predict the effect of missense changes on protein structure and function (SIFT, PolyPhen-2, Align-GVGD) all suggest that this variant is likely to be tolerated. In summary, the available evidence is currently insufficient to determine the role of this variant in disease. Therefore, it has been classified as a Variant of Uncertain Significance.

Blueprint Genetics
Classification: Uncertain significance. Last evaluated: 2019-01-14. Review status: criteria provided, single submitter. Criteria: ACMG Guidelines, 2015. Collection method: clinical testing. Allele origin: germline.